The following is an entry in ClinVar:

NM_000361.3(THBD):c.99C>A (p.His33Gln)

Gene: THBD (thrombomodulin; minus strand). Cytogenetic location: 20p11.21.
Variant type: single nucleotide variant.
Coding change: c.99C>A on transcript NM_000361.3 (MANE Select); coding-DNA position 99, C replaced by A.
Protein change: p.His33Gln; replaces histidine 33 with glutamine.
Molecular consequence: missense variant.
Genome position (GRCh38, 1-based): chr20:23,049,406, G>T on the plus strand (C>A on the coding strand, the complement: THBD is on the minus strand). VCF-style: chr20-23049406-G-T. GRCh37 (hg19) VCF-style: chr20-23030043-G-T.
Other names: p.His33Gln; short protein forms H33Q.
Identifiers: ClinVar variation 2683538 (VCV002683538.1), dbSNP rs1339163354, ClinGen allele CA408408384.

ClinVar aggregate classification (germline): Uncertain significance (1 of 4 stars; one submission).

Allele frequency attached by ClinVar (database versions not stated): gnomAD exomes below 0.00001.
gnomAD v4.1: 1 of 1,590,872 alleles (0.000063%); highest among the groups gnomAD compares: Admixed American, 0.0017%; no homozygotes.

Submission:

Mayo Clinic Laboratories, Mayo Clinic
Classification: Uncertain significance. Last evaluated: 2022-07-27. Review status: criteria provided, single submitter. Criteria: ACMG Guidelines, 2015. Collection method: clinical testing. Allele origin: germline. Observed: 1 variant allele.
Comment: BP4